The following is an entry in ClinVar:

NM_001164508.2(NEB):c.4417C>T (p.Arg1473Ter)

Gene: NEB (nebulin; minus strand). Cytogenetic location: 2q23.3.
Variant type: single nucleotide variant.
Coding change: c.4417C>T on transcript NM_001164508.2 (MANE Select); coding-DNA position 4417, C replaced by T.
Protein change: p.Arg1473Ter; replaces arginine 1473 with a stop codon.
Molecular consequence: nonsense.
Genome position (GRCh38, 1-based): chr2:151,671,112, G>A on the plus strand (C>T on the coding strand, the complement: NEB is on the minus strand). VCF-style: chr2-151671112-G-A. GRCh37 (hg19) VCF-style: chr2-152527626-G-A.
Other names: c.4417C>T, p.Arg1473Ter (NM_001164507.2, NM_001271208.2, NM_004543.5); short protein forms R1473*.
Identifiers: ClinVar variation 948322 (VCV000948322.11), dbSNP rs2099279723, ClinGen allele CA348815691.

ClinVar aggregate classification (germline): Pathogenic. Review status: criteria provided, multiple submitters, no conflicts (2 of 4 stars). 2 submissions from 2 submitters: Pathogenic (2). Last evaluated 2023-04-09.

Conditions:
Nemaline myopathy 2 (NEM2). Also called: Nemaline myopathy 2, autosomal recessive. Identifiers: MedGen C1850569, MONDO:0009725, OMIM 256030.

Allele frequency attached by ClinVar (database versions not stated): TOPMed below 0.00001; gnomAD exomes 0.00001.
gnomAD v4.1: 7 of 1,613,924 alleles (0.00043%); highest among the groups gnomAD compares: East Asian, 0.0022%; no homozygotes.

Submissions (2):

Labcorp Genetics (formerly Invitae), Labcorp
Classification: Pathogenic for Nemaline myopathy 2. Last evaluated: 2023-04-09. Review status: criteria provided, single submitter. Criteria: Invitae Variant Classification Sherloc (09022015). Collection method: clinical testing. Allele origin: germline.
Comment: This sequence change creates a premature translational stop signal (p.Arg1473*) in the NEB gene. It is expected to result in an absent or disrupted protein product. Loss-of-function variants in NEB are known to be pathogenic (PMID: 25205138). This variant is not present in population databases (gnomAD no frequency). For these reasons, this variant has been classified as Pathogenic. ClinVar contains an entry for this variant (Variation ID: 948322). This variant has not been reported in the literature in individuals affected with NEB-related conditions.

Revvity Omics, Revvity
Classification: Pathogenic. Last evaluated: 2021-03-15. Review status: criteria provided, single submitter. Criteria: ACMG Guidelines, 2015. Collection method: clinical testing. Allele origin: germline.

Literature cited by the submitters: PubMed 25205138 (cited by Labcorp Genetics (formerly Invitae), Labcorp).